The following is an entry in ClinVar:

ClinVar aggregate classification (germline): Uncertain significance. Review status: criteria provided, multiple submitters, no conflicts (2 of 4 stars). 2 submissions from 2 submitters: Uncertain significance (2). Last evaluated 2023-09-26.

Conditions:
Familial cancer of breast. Also called: hereditary breast carcinoma; BREAST CANCER, FAMILIAL; Hereditary breast cancer. Identifiers: Orphanet 227535, MedGen C0346153, MONDO:0016419, OMIM 114480. Disease mechanism: loss of function.
Ataxia-telangiectasia syndrome (AT). Also called: AT, COMPLEMENTATION GROUP C; Ataxia telangiectasia (A-T); Cerebello-oculocutaneous telangiectasia; Immunodeficiency with ataxia telangiectasia; LOUIS-BAR SYNDROME; ATAXIA-TELANGIECTASIA, COMPLEMENTATION GROUP A. Identifiers: Orphanet 100, MedGen C0004135, MONDO:0008840, OMIM 208900.

Allele frequency attached by ClinVar (database versions not stated): TOPMed 0.00002.
gnomAD v4.1: 1 of 1,607,866 alleles (0.000062%); highest among the groups gnomAD compares: African/African-American, 0.0013%; no homozygotes.

Submissions (2):

Labcorp Genetics (formerly Invitae), Labcorp
Classification: Uncertain significance for Ataxia-telangiectasia syndrome. Last evaluated: 2023-09-26. Review status: criteria provided, single submitter. Criteria: Invitae Variant Classification Sherloc (09022015). Collection method: clinical testing. Allele origin: germline.
Comment: In summary, the available evidence is currently insufficient to determine the role of this variant in disease. Therefore, it has been classified as a Variant of Uncertain Significance. Algorithms developed to predict the effect of sequence changes on RNA splicing suggest that this variant may disrupt the consensus splice site. This variant has not been reported in the literature in individuals affected with ATM-related conditions. This variant is not present in population databases (gnomAD no frequency). This sequence change falls in intron 12 of the ATM gene. It does not directly change the encoded amino acid sequence of the ATM protein.

Baylor Genetics
Classification: Uncertain significance for Familial cancer of breast. Last evaluated: 2021-11-13. Review status: criteria provided, single submitter. Criteria: ACMG Guidelines, 2015. Collection method: clinical testing. Allele origin: unknown.

NM_000051.4(ATM):c.1899-8T>A

Gene: ATM (ATM serine/threonine kinase; plus strand). Cytogenetic location: 11q22.3.
Variant type: single nucleotide variant.
Coding change: c.1899-8T>A on transcript NM_000051.4 (MANE Select); 8 bases into the intron before coding-DNA position 1899, T replaced by A.
Molecular consequence: intron variant.
Genome position (GRCh38, 1-based): chr11:108,253,806, T>A. VCF-style: chr11-108253806-T-A. GRCh37 (hg19) VCF-style: chr11-108124533-T-A.
Other names: c.1899-8T>A (NM_001351834.2).
Identifiers: ClinVar variation 2679779 (VCV002679779.4), dbSNP rs529035779, ClinGen allele CA671378442.